The following is an entry in ClinVar:

ClinVar aggregate classification (germline): Likely benign. Review status: criteria provided, multiple submitters, no conflicts (2 of 4 stars). 4 submissions from 4 submitters: Likely benign (3). 1 of the submissions does not count toward it. Last evaluated 2026-08-01.

Conditions:
E2F1-related disorder. Also called: E2F1-related condition.

Allele frequency attached by ClinVar (database versions not stated): ExAC 0.00471; gnomAD exomes 0.00579 and 0.00448; 1000 Genomes Project 0.00200; 1000 Genomes Project 30x 0.00234; TOPMed 0.00380; gnomAD 0.00383 and 0.00401; ESP Exome Variant Server 0.00415.
gnomAD v4.1: 9,025 of 1,614,206 alleles (0.56%); highest among the groups gnomAD compares: South Asian, 0.75%; 31 homozygotes.

Submissions (4):

CeGaT Center for Human Genetics Tuebingen
Classification: Likely benign. Last evaluated: 2026-08-01. Review status: criteria provided, single submitter. Criteria: CeGaT Center For Human Genetics Tuebingen Variant Classification Criteria Version 2. Collection method: clinical testing. Allele origin: germline. Affected: yes. Observed: 1 variant allele.
Comment: E2F1: PP2, BS2

Labcorp Genetics (formerly Invitae), Labcorp
Classification: Likely benign. Last evaluated: 2019-12-31. Review status: criteria provided, single submitter. Criteria: Invitae Variant Classification Sherloc (09022015). Collection method: clinical testing. Allele origin: germline.

Breakthrough Genomics
Classification: Likely benign. Review status: criteria provided, single submitter. Criteria: ACMG Guidelines, 2015. Collection method: not provided. Allele origin: germline. Inheritance: Unknown mechanism. Affected: yes.

PreventionGenetics, part of Exact Sciences
Classification: Likely benign for E2F1-related condition. Last evaluated: 2019-04-01. Review status: no assertion criteria provided. Collection method: clinical testing. Allele origin: germline. Not counted in ClinVar's aggregate classification.
Comment: This variant is classified as likely benign based on ACMG/AMP sequence variant interpretation guidelines (Richards et al. 2015 PMID: 25741868, with internal and published modifications).

NM_005225.3(E2F1):c.304G>A (p.Ala102Thr)

Gene: E2F1 (E2F transcription factor 1; minus strand). Cytogenetic location: 20q11.22.
Variant type: single nucleotide variant.
Coding change: c.304G>A on transcript NM_005225.3 (MANE Select); coding-DNA position 304, G replaced by A.
Protein change: p.Ala102Thr; replaces alanine 102 with threonine.
Molecular consequence: missense variant.
Genome position (GRCh38, 1-based): chr20:33,680,374, C>T on the plus strand (G>A on the coding strand, the complement: E2F1 is on the minus strand). VCF-style: chr20-33680374-C-T. GRCh37 (hg19) VCF-style: chr20-32268180-C-T.
Other names: short protein forms A102T.
Identifiers: ClinVar variation 785835 (VCV000785835.8), dbSNP rs145741678, ClinGen allele CA9818795.
Genomic context (GRCh38, chr20:33,680,374, plus strand): 5'-CTCCATAGGTACCTTTTCCTGGATGGCGGCCTCTGCCCCGAGCTGGCCCACTGCTCTCGG[C>T]CAGGTACTGATGGTCAGTTTCCAGGTCCAGCCTCCGCTTCACCTGTGGCGAAAACGGGAG-3'
Protein context (NP_005216.1, residues 92-112): LDLETDHQYL[Ala102Thr]ESSGPARGRG